The following is an entry in ClinVar:

NM_019892.6(INPP5E):c.1360G>A (p.Asp454Asn)

Gene: INPP5E (inositol polyphosphate-5-phosphatase E; minus strand). Cytogenetic location: 9q34.3.
Variant type: single nucleotide variant.
Coding change: c.1360G>A on transcript NM_019892.6 (MANE Select); coding-DNA position 1360, G replaced by A.
Protein change: p.Asp454Asn; replaces aspartic acid 454 with asparagine.
Molecular consequence: missense variant.
Genome position (GRCh38, 1-based): chr9:136,432,506, C>T on the plus strand (G>A on the coding strand, the complement: INPP5E is on the minus strand). VCF-style: chr9-136432506-C-T. GRCh37 (hg19) VCF-style: chr9-139326958-C-T.
Other names: c.1360G>A (NM_019892.5); c.1357G>A, p.Asp453Asn (NM_001318502.2); short protein forms D454N, D453N.
Identifiers: ClinVar variation 933407 (VCV000933407.11), dbSNP rs138150684, ClinGen allele CA5336837.

ClinVar aggregate classification (germline): Uncertain significance. Review status: criteria provided, multiple submitters, no conflicts (2 of 4 stars). 3 submissions from 3 submitters: Uncertain significance (3). Last evaluated 2026-03-31.

Conditions:
INPP5E-related disorder. Also called: INPP5E-related condition.
Joubert syndrome 1 (JBTS1). Also called: Cerebellooculorenal syndrome 1; CEREBELLOPARENCHYMAL DISORDER IV. Identifiers: MedGen C4551568, MONDO:0008944, OMIM 213300.
Joubert syndrome. Also called: Familial aplasia of the vermis; JOUBERT-BOLTSHAUSER SYNDROME. Identifiers: Orphanet 475, MedGen C5979921, MONDO:0018772.

Allele frequency attached by ClinVar (database versions not stated): ExAC 0.00010; gnomAD exomes 0.00010; gnomAD 0.00029 and 0.00033; TOPMed 0.00031; ESP Exome Variant Server 0.00032.
gnomAD v4.1: 125 of 1,551,134 alleles (0.0081%); highest among the groups gnomAD compares: African/African-American, 0.1%; no homozygotes.

Submissions (3):

PreventionGenetics, part of Exact Sciences
Classification: Uncertain significance for INPP5E-related condition. Last evaluated: 2026-03-31. Review status: criteria provided, single submitter. Criteria: ACMG Guidelines, 2015. Collection method: clinical testing. Allele origin: germline.
Comment: The INPP5E c.1360G>A variant is predicted to result in the amino acid substitution p.Asp454Asn. To our knowledge, this variant has not been reported in the literature. This variant is reported in 0.096% of alleles in individuals of African descent in gnomAD, which is more common than expected for an undocumented cause of disease. Although we suspect that this variant may be benign, at this time, the clinical significance of this variant is uncertain due to the absence of conclusive functional and genetic evidence.

Labcorp Genetics (formerly Invitae), Labcorp
Classification: Uncertain significance for Joubert syndrome. Last evaluated: 2025-02-03. Review status: criteria provided, single submitter. Criteria: Invitae Variant Classification Sherloc (09022015). Collection method: clinical testing. Allele origin: germline.
Comment: This sequence change replaces aspartic acid, which is acidic and polar, with asparagine, which is neutral and polar, at codon 454 of the INPP5E protein (p.Asp454Asn). This variant is present in population databases (rs138150684, gnomAD 0.1%). This variant has not been reported in the literature in individuals affected with INPP5E-related conditions. ClinVar contains an entry for this variant (Variation ID: 933407). Invitae Evidence Modeling of protein sequence and biophysical properties (such as structural, functional, and spatial information, amino acid conservation, physicochemical variation, residue mobility, and thermodynamic stability) indicates that this missense variant is expected to disrupt INPP5E protein function with a positive predictive value of 95%. In summary, the available evidence is currently insufficient to determine the role of this variant in disease. Therefore, it has been classified as a Variant of Uncertain Significance.

Baylor Genetics
Classification: Uncertain significance for Joubert syndrome 1. Last evaluated: 2018-04-26. Review status: criteria provided, single submitter. Criteria: ACMG Guidelines, 2015. Collection method: clinical testing. Allele origin: unknown. Affected: yes.
Comment: This variant was determined to be of uncertain significance according to ACMG Guidelines, 2015 [PMID:25741868].